The following is an entry in ClinVar:

NM_005591.4(MRE11):c.250A>G (p.Met84Val)

Gene: MRE11 (MRE11 double strand break repair nuclease; minus strand). Cytogenetic location: 11q21.
Variant type: single nucleotide variant.
Coding change: c.250A>G on transcript NM_005591.4 (MANE Select); coding-DNA position 250, A replaced by G.
Protein change: p.Met84Val; replaces methionine 84 with valine.
Molecular consequence: missense variant.
Genome position (GRCh38, 1-based): chr11:94,485,988, T>C on the plus strand (A>G on the coding strand, the complement: MRE11 is on the minus strand). VCF-style: chr11-94485988-T-C. GRCh37 (hg19) VCF-style: chr11-94219154-T-C.
Other names: c.250A>G, p.Met84Val (NM_001330347.2, NM_005590.4); short protein forms M84V.
Identifiers: ClinVar variation 186790 (VCV000186790.17), dbSNP rs786203222, ClinGen allele CA195876.

ClinVar aggregate classification (germline): Uncertain significance. Review status: criteria provided, multiple submitters, no conflicts (2 of 4 stars). 5 submissions from 5 submitters: Uncertain significance (5). Last evaluated 2025-08-12.

Conditions:
Ataxia-telangiectasia-like disorder (ATLD). Identifiers: MedGen C1858391, MONDO:0011457.
Hereditary cancer-predisposing syndrome. Also called: Neoplastic Syndromes, Hereditary; Tumor predisposition; Hereditary Cancer Syndrome; Hereditary neoplastic syndrome. Identifiers: Orphanet 140162, MedGen C0027672, MeSH D009386, MONDO:0015356.
Ataxia-telangiectasia-like disorder 1 (ATLD1). Identifiers: Orphanet 251347, MedGen C4012790, MONDO:0024557, OMIM 604391.

Allele frequency attached by ClinVar (database versions not stated): TOPMed below 0.00001; gnomAD exomes 0.00001.
gnomAD v4.1: 12 of 1,613,920 alleles (0.00074%); highest among the groups gnomAD compares: Admixed American, 0.012%; no homozygotes.

Submissions (5):

Athena Diagnostics
Classification: Uncertain significance. Last evaluated: 2025-08-12. Review status: criteria provided, single submitter. Criteria: Athena Diagnostics Criteria. Collection method: clinical testing. Allele origin: unknown.
Comment: Available data are insufficient to determine the clinical significance of the variant at this time. The frequency of this variant in the general population is uninformative in assessment of its pathogenicity. Polyphen and MutationTaster predict this amino acid change may be damaging to the protein.

Labcorp Genetics (formerly Invitae), Labcorp
Classification: Uncertain significance for Ataxia-telangiectasia-like disorder. Last evaluated: 2024-02-26. Review status: criteria provided, single submitter. Criteria: Invitae Variant Classification Sherloc (09022015). Collection method: clinical testing. Allele origin: germline.
Comment: This sequence change replaces methionine, which is neutral and non-polar, with valine, which is neutral and non-polar, at codon 84 of the MRE11 protein (p.Met84Val). This variant is present in population databases (rs786203222, gnomAD 0.01%). This variant has not been reported in the literature in individuals affected with MRE11-related conditions. ClinVar contains an entry for this variant (Variation ID: 186790). An algorithm developed to predict the effect of missense changes on protein structure and function (PolyPhen-2) suggests that this variant is likely to be disruptive. In summary, the available evidence is currently insufficient to determine the role of this variant in disease. Therefore, it has been classified as a Variant of Uncertain Significance.

Baylor Genetics
Classification: Uncertain significance for Ataxia-telangiectasia-like disorder 1. Last evaluated: 2023-10-04. Review status: criteria provided, single submitter. Criteria: ACMG Guidelines, 2015. Collection method: clinical testing. Allele origin: unknown.

Ambry Genetics
Classification: Uncertain significance for Hereditary cancer-predisposing syndrome. Last evaluated: 2022-09-09. Review status: criteria provided, single submitter. Criteria: Ambry Variant Classification Scheme 2023. Collection method: clinical testing. Allele origin: germline.
Comment: The p.M84V variant (also known as c.250A>G), located in coding exon 3 of the MRE11A gene, results from an A to G substitution at nucleotide position 250. The methionine at codon 84 is replaced by valine, an amino acid with highly similar properties. This amino acid position is highly conserved in available vertebrate species. In addition, this alteration is predicted to be deleterious by in silico analysis. Since supporting evidence is limited at this time, the clinical significance of this alteration remains unclear.

GeneDx
Classification: Uncertain significance. Last evaluated: 2019-08-21. Review status: criteria provided, single submitter. Criteria: GeneDx Variant Classification Process June 2021. Collection method: clinical testing. Allele origin: germline. Affected: yes.
Comment: Not observed at a significant frequency in large population cohorts (Lek et al., 2016); In silico analysis, which includes protein predictors and evolutionary conservation, supports a deleterious effect; Has not been previously published as pathogenic or benign to our knowledge